The following is an entry in ClinVar:

NM_001367949.2(FAT3):c.7864G>T (p.Val2622Phe)

Gene: FAT3 (FAT atypical cadherin 3; plus strand). Cytogenetic location: 11q14.3.
Variant type: single nucleotide variant.
Coding change: c.7864G>T on transcript NM_001367949.2 (MANE Select); coding-DNA position 7864, G replaced by T.
Protein change: p.Val2622Phe; replaces valine 2622 with phenylalanine.
Molecular consequence: missense variant.
Genome position (GRCh38, 1-based): chr11:92,800,877, G>T. VCF-style: chr11-92800877-G-T. GRCh37 (hg19) VCF-style: chr11-92534043-G-T.
Other names: c.7864G>T, p.Val2622Phe (NM_001008781.3); short protein forms V2622F.
Identifiers: ClinVar variation 722117 (VCV000722117.28), dbSNP rs17615477, ClinGen allele CA6227515.

ClinVar aggregate classification (germline): Likely benign. Review status: criteria provided, multiple submitters, no conflicts (2 of 4 stars). 3 submissions from 3 submitters: Likely benign (2). 1 of the submissions does not count toward it. Last evaluated 2026-08-01.

Conditions:
FAT3-related disorder. Also called: FAT3-related condition.

Allele frequency attached by ClinVar (database versions not stated): 1000 Genomes Project 30x 0.00234; 1000 Genomes Project 0.00240; TOPMed 0.00360; gnomAD 0.00365 and 0.00374; gnomAD exomes 0.00384 and 0.00560; ExAC 0.00397; ESP Exome Variant Server 0.00500.
gnomAD v4.1: 8,623 of 1,613,118 alleles (0.53%); highest among the groups gnomAD compares: Non-Finnish European, 0.65%; 27 homozygotes.

Submissions (3):

CeGaT Center for Human Genetics Tuebingen
Classification: Likely benign. Last evaluated: 2026-08-01. Review status: criteria provided, single submitter. Criteria: CeGaT Center For Human Genetics Tuebingen Variant Classification Criteria Version 2. Collection method: clinical testing. Allele origin: germline. Affected: yes. Observed: 3 variant alleles.
Comment: FAT3: BP4, BS2

Labcorp Genetics (formerly Invitae), Labcorp
Classification: Likely benign. Last evaluated: 2017-12-02. Review status: criteria provided, single submitter. Criteria: Invitae Variant Classification Sherloc (09022015). Collection method: clinical testing. Allele origin: germline.

PreventionGenetics, part of Exact Sciences
Classification: Likely benign for FAT3-related condition. Last evaluated: 2022-05-10. Review status: no assertion criteria provided. Collection method: clinical testing. Allele origin: germline. Not counted in ClinVar's aggregate classification.
Comment: This variant is classified as likely benign based on ACMG/AMP sequence variant interpretation guidelines (Richards et al. 2015 PMID: 25741868, with internal and published modifications).